The following is an entry in ClinVar:

NM_000124.4(ERCC6):c.1196G>A (p.Gly399Asp)

Genes: ERCC6 (ERCC excision repair 6, chromatin remodeling factor; minus strand), PGBD3 (piggyBac transposable element derived 3; minus strand). Cytogenetic location: 10q11.23.
Variant type: single nucleotide variant.
Coding change: c.1196G>A on transcript NM_000124.4 (MANE Select); coding-DNA position 1196, G replaced by A.
Protein change: p.Gly399Asp; replaces glycine 399 with aspartic acid.
Molecular consequence: missense variant. On other transcripts: 5 prime UTR variant (1).
Genome position (GRCh38, 1-based): chr10:49,524,234, C>T on the plus strand (G>A on the coding strand, the complement: ERCC6 is on the minus strand). VCF-style: chr10-49524234-C-T. GRCh37 (hg19) VCF-style: chr10-50732280-C-T.
Other names: c.1196G>A, p.Gly399Asp (NM_001277058.2, NM_001277059.2, NM_001346440.2); c.-209G>A (NM_170753.3); short protein forms G399D.
Identifiers: ClinVar variation 129013 (VCV000129013.30), dbSNP rs2228528, ClinGen allele CA152774.

ClinVar aggregate classification (germline): Benign/Likely benign. Review status: criteria provided, multiple submitters, no conflicts (2 of 4 stars). 16 submissions from 13 submitters: Benign (11); Likely benign (2). 3 of the submissions do not count toward it. Last evaluated 2026-02-04.

Conditions:
Cerebrooculofacioskeletal syndrome 1 (COFS1). Also called: Cerebro-oculo-facio-skeletal syndrome 1. Identifiers: MedGen C0220722, MONDO:0008955, OMIM 214150.
UV-sensitive syndrome 1 (UVSS1). Identifiers: Orphanet 178338, MedGen C3551173, MONDO:0010909, OMIM 600630.
Cockayne syndrome type 2 (CSB). Also called: Cockayne Syndrome, Type II; COCKAYNE SYNDROME B. Identifiers: Orphanet 191, Orphanet 90322, MedGen C0751038, MONDO:0019570, OMIM 133540.
DE SANCTIS-CACCHIONE SYNDROME. Identifiers: MedGen C0265201, MONDO:0010217, OMIM 278800.

Allele frequency attached by ClinVar (database versions not stated): ESP Exome Variant Server 0.16231; gnomAD exomes 0.17550 and 0.20189; gnomAD 0.17598 and 0.17892; TOPMed 0.18718; ExAC 0.19578; 1000 Genomes Project 0.23782; 1000 Genomes Project 30x 0.23876.
gnomAD v4.1: 284,048 of 1,613,894 alleles (18%); highest among the groups gnomAD compares: East Asian, 45%; 27,994 homozygotes.

Submissions (16):

Labcorp Genetics (formerly Invitae), Labcorp
Classification: Benign. Last evaluated: 2026-02-04. Review status: criteria provided, single submitter. Criteria: Invitae Variant Classification Sherloc (09022015). Collection method: clinical testing. Allele origin: germline.

Blueprint Genetics
Classification: Benign. Last evaluated: 2024-11-27. Review status: criteria provided, single submitter. Criteria: ACMG Guidelines, 2015. Collection method: clinical testing. Allele origin: germline.

Women's Health and Genetics/Laboratory Corporation of America, LabCorp
Classification: Likely benign. Last evaluated: 2021-12-03. Review status: criteria provided, single submitter. Criteria: LabCorp Variant Classification Summary - May 2015. Collection method: clinical testing. Allele origin: germline.

Genome-Nilou Lab
Classification: Benign for Cerebrooculofacioskeletal syndrome 1. Last evaluated: 2021-07-30. Review status: criteria provided, single submitter. Criteria: ACMG Guidelines, 2015. Collection method: clinical testing. Allele origin: germline. Affected: no.

Genome-Nilou Lab
Classification: Benign for Cockayne syndrome type 2. Last evaluated: 2021-07-30. Review status: criteria provided, single submitter. Criteria: ACMG Guidelines, 2015. Collection method: clinical testing. Allele origin: germline. Affected: no.

Genome-Nilou Lab
Classification: Benign for DE SANCTIS-CACCHIONE SYNDROME. Last evaluated: 2021-07-30. Review status: criteria provided, single submitter. Criteria: ACMG Guidelines, 2015. Collection method: clinical testing. Allele origin: germline. Affected: no.

Genome-Nilou Lab
Classification: Benign for UV-sensitive syndrome 1. Last evaluated: 2021-07-30. Review status: criteria provided, single submitter. Criteria: ACMG Guidelines, 2015. Collection method: clinical testing. Allele origin: germline. Affected: no.

GeneDx
Classification: Benign. Last evaluated: 2018-11-10. Review status: criteria provided, single submitter. Criteria: GeneDx Variant Classification Process June 2021. Collection method: clinical testing. Allele origin: germline. Affected: yes.
Comment: This variant is associated with the following publications: (PMID: 25026993, 20044625)

Mayo Clinic Laboratories, Mayo Clinic
Classification: Benign. Last evaluated: 2017-07-18. Review status: criteria provided, single submitter. Criteria: ACMG Guidelines, 2015. Collection method: clinical testing. Allele origin: germline. Observed: 220 variant alleles.

Eurofins Ntd Llc (ga)
Classification: Benign. Last evaluated: 2015-01-28. Review status: criteria provided, single submitter. Criteria: EGL Classification Definitions 2015. Collection method: clinical testing. Allele origin: germline. Observed: 1 variant allele, 1 heterozygote.

Claritas Genomics
Classification: Benign. Last evaluated: 2012-06-11. Review status: criteria provided, single submitter. Criteria: ACMG Guidelines, 2007. Collection method: clinical testing. Allele origin: germline. Inheritance: Autosomal recessive inheritance.

Breakthrough Genomics
Classification: Likely benign. Review status: criteria provided, single submitter. Criteria: ACMG Guidelines, 2015. Collection method: not provided. Allele origin: germline. Inheritance: Autosomal recessive inheritance. Affected: yes.

PreventionGenetics, part of Exact Sciences
Classification: Benign. Review status: criteria provided, single submitter. Criteria: ACMG Guidelines, 2015. Collection method: clinical testing. Allele origin: germline.

Clinical Genetics DNA and cytogenetics Diagnostics Lab, Erasmus MC, Erasmus Medical Center
Classification: Benign. Review status: no assertion criteria provided. Collection method: clinical testing. Allele origin: germline. Affected: yes. Study: VKGL Data-share Consensus. Not counted in ClinVar's aggregate classification.

Genetic Services Laboratory, University of Chicago
Classification: Likely benign for AllHighlyPenetrant. Review status: no assertion criteria provided. Collection method: clinical testing. Allele origin: germline. Not counted in ClinVar's aggregate classification.
Comment: Likely benign based on allele frequency in 1000 Genomes Project or ESP global frequency and its presence in a patient with a rare or unrelated disease phenotype. NOT Sanger confirmed.

Joint Genome Diagnostic Labs from Nijmegen and Maastricht, Radboudumc and MUMC+
Classification: Benign. Review status: no assertion criteria provided. Collection method: clinical testing. Allele origin: germline. Affected: yes. Study: VKGL Data-share Consensus. Not counted in ClinVar's aggregate classification.